The following is an entry in ClinVar:

ClinVar aggregate classification (germline): Uncertain significance (1 of 4 stars; one submission).

Conditions:
Hereditary cancer-predisposing syndrome. Also called: Tumor predisposition; Hereditary Cancer Syndrome; Hereditary neoplastic syndrome; Neoplastic Syndromes, Hereditary. Identifiers: Orphanet 140162, MedGen C0027672, MeSH D009386, MONDO:0015356.

Submission:

Ambry Genetics
Classification: Uncertain significance for Hereditary cancer-predisposing syndrome. Last evaluated: 2026-02-12. Review status: criteria provided, single submitter. Criteria: Ambry Variant Classification Scheme 2023. Collection method: clinical testing. Allele origin: germline.
Comment: The p.M1134I variant (also known as c.3402G>T), located in coding exon 22 of the ATM gene, results from a G to T substitution at nucleotide position 3402. The amino acid change results in methionine to isoleucine at codon 1134, an amino acid with highly similar properties. However, this change occurs in the last base pair of coding exon 22, which makes it likely to have some effect on normal mRNA splicing. This nucleotide position is highly conserved in available vertebrate species. This amino acid position is poorly conserved in available vertebrate species. In silico splice site analysis predicts that this alteration will weaken the native splice donor site. In addition, this alteration is predicted to be tolerated by in silico analysis. Based on the available evidence, the clinical significance of this variant remains unclear.

NM_000051.4(ATM):c.3402G>T (p.Met1134Ile)

Gene: ATM (ATM serine/threonine kinase; plus strand). Cytogenetic location: 11q22.3.
Variant type: single nucleotide variant.
Coding change: c.3402G>T on transcript NM_000051.4 (MANE Select); coding-DNA position 3402, G replaced by T.
Protein change: p.Met1134Ile; replaces methionine 1134 with isoleucine.
Molecular consequence: missense variant.
Genome position (GRCh38, 1-based): chr11:108,279,608, G>T. VCF-style: chr11-108279608-G-T. GRCh37 (hg19) VCF-style: chr11-108150335-G-T.
Other names: c.3402G>T, p.Met1134Ile (NM_001351834.2); short protein forms M1134I.
Identifiers: ClinVar variation 1731088 (VCV001731088.3), dbSNP rs2135645757, ClinGen allele CA382517884.
Genomic context (GRCh38, chr11:108,279,608, plus strand): 5'-GCTTCAGCAAACAGCTTTTGAAAATGCATACTTGAAAGCTCAGGAAGGAATGAGAGAAAT[G>T]GTAATTTTAAGTAACATGTATTTGCTGTTATCATATGCTTGCTATGAATATCCCATAAAT-3'
Protein context (NP_000042.3, residues 1124-1144): YLKAQEGMRE[Met1134Ile]SHSAENPETL